The following is an entry in ClinVar:

ClinVar aggregate classification (germline): Likely benign. Review status: criteria provided, multiple submitters, no conflicts (2 of 4 stars). 2 submissions from 2 submitters: Likely benign (2). Last evaluated 2018-06-19.

Allele frequency attached by ClinVar (database versions not stated): TOPMed 0.00013; 1000 Genomes Project 0.00060; 1000 Genomes Project 30x 0.00062; gnomAD exomes 0.00064 and 0.00125; gnomAD 0.00095 and 0.00099; ExAC 0.00162.
gnomAD v4.1: 967 of 1,465,380 alleles (0.066%); highest among the groups gnomAD compares: Non-Finnish European, 0.03%; 5 homozygotes.

Submissions (2):

GeneDx
Classification: Likely benign. Last evaluated: 2018-06-19. Review status: criteria provided, single submitter. Criteria: GeneDx Variant Classification (06012015). Collection method: clinical testing. Allele origin: germline. Affected: yes.
Comment: This variant is considered likely benign or benign based on one or more of the following criteria: it is a conservative change, it occurs at a poorly conserved position in the protein, it is predicted to be benign by multiple in silico algorithms, and/or has population frequency not consistent with disease.

Breakthrough Genomics
Classification: Likely benign. Review status: criteria provided, single submitter. Criteria: ACMG Guidelines, 2015. Collection method: not provided. Allele origin: germline. Inheritance: Autosomal dominant inheritance. Affected: yes.

NM_003978.5(PSTPIP1):c.838+82G>A

Gene: PSTPIP1 (proline-serine-threonine phosphatase interacting protein 1; plus strand). Cytogenetic location: 15q24.3.
Variant type: single nucleotide variant.
Coding change: c.838+82G>A on transcript NM_003978.5 (MANE Select); 82 bases into the intron after coding-DNA position 838, G replaced by A.
Molecular consequence: intron variant.
Genome position (GRCh38, 1-based): chr15:77,032,476, G>A. VCF-style: chr15-77032476-G-A. GRCh37 (hg19) VCF-style: chr15-77324817-G-A.
Other names: c.1033+82G>A (NM_001321137.1); c.811+82G>A (NM_001321136.2); c.872+48G>A (NM_001321135.2).
Identifiers: ClinVar variation 679513 (VCV000679513.2), dbSNP rs56266471, ClinGen allele CA7676018.
Genomic context (GRCh38, chr15:77,032,476, plus strand): 5'-GCGCAGCCTCTAGGTGCATTGAGCCCCTGGGAAGGCCCGGCCCTGAGCCTCAAGTGCCAG[G>A]ACCGGGCTGGGGTAGCTCACAGCTCCCTTCAGGGCAGAGAAGCCCTAGCAGGGGTTGTGG-3'